The following is an entry in ClinVar:

NM_002473.6(MYH9):c.4876A>G (p.Ile1626Val)

Gene: MYH9 (myosin heavy chain 9; minus strand). Cytogenetic location: 22q12.3.
Variant type: single nucleotide variant.
Coding change: c.4876A>G on transcript NM_002473.6 (MANE Select); coding-DNA position 4876, A replaced by G.
Protein change: p.Ile1626Val; replaces isoleucine 1626 with valine.
Molecular consequence: missense variant.
Genome position (GRCh38, 1-based): chr22:36,288,308, T>C on the plus strand (A>G on the coding strand, the complement: MYH9 is on the minus strand). VCF-style: chr22-36288308-T-C. GRCh37 (hg19) VCF-style: chr22-36684354-T-C.
Other names: c.4876A>G (NM_002473.5); short protein forms I1626V.
Identifiers: ClinVar variation 38967 (VCV000038967.36), dbSNP rs2269529, ClinGen allele CA134546.

ClinVar aggregate classification (germline): Benign. Review status: criteria provided, multiple submitters, no conflicts (2 of 4 stars). 17 submissions from 15 submitters: Benign (15). 2 of the submissions do not count toward it. Last evaluated 2026-02-04.

Conditions:
MYH9-related disorder. Identifiers: MedGen C1854520.
Macrothrombocytopenia and granulocyte inclusions with or without nephritis or sensorineural hearing loss (MATINS). Also called: MAY-HEGGLIN ANOMALY; DOHLE LEUKOCYTE INCLUSIONS WITH GIANT PLATELETS; MYH9-Related Disease (MYH9-RD); BLEEDING DISORDER, PLATELET-TYPE, 6; MACROTHROMBOCYTOPENIA WITH LEUKOCYTE INCLUSIONS; SEBASTIAN PLATELET SYNDROME. Identifiers: Orphanet 182050, MedGen C5200934, MONDO:0015912, OMIM 155100.
Autosomal dominant nonsyndromic hearing loss 17. Also called: Autosomal dominant nonsyndromic deafness 17; Deafness, autosomal dominant 17. Identifiers: Orphanet 90635, MedGen C1863659, MONDO:0011350, OMIM 603622.

Allele frequency attached by ClinVar (database versions not stated): ESP Exome Variant Server 0.15554; gnomAD 0.17342 and 0.18934; TOPMed 0.18966; gnomAD exomes 0.22125 and 0.26485; ExAC 0.25841; 1000 Genomes Project 30x 0.28404; 1000 Genomes Project 0.29413.
gnomAD v4.1: 353,815 of 1,613,510 alleles (22%); highest among the groups gnomAD compares: East Asian, 61%; 47,050 homozygotes.

Submissions (17):

Labcorp Genetics (formerly Invitae), Labcorp
Classification: Benign. Last evaluated: 2026-02-04. Review status: criteria provided, single submitter. Criteria: Invitae Variant Classification Sherloc (09022015). Collection method: clinical testing. Allele origin: germline.

Mayo Clinic Laboratories, Mayo Clinic
Classification: Benign. Last evaluated: 2025-07-29. Review status: criteria provided, single submitter. Criteria: ACMG Guidelines, 2015. Collection method: clinical testing. Allele origin: germline. Observed: 425 variant alleles.
Comment: BA1, BP4

ARUP Laboratories, Molecular Genetics and Genomics, ARUP Laboratories
Classification: Benign. Last evaluated: 2025-07-28. Review status: criteria provided, single submitter. Criteria: ARUP Molecular Germline Variant Investigation Process 2024. Collection method: clinical testing. Allele origin: germline.

Blueprint Genetics
Classification: Benign. Last evaluated: 2024-11-28. Review status: criteria provided, single submitter. Criteria: ACMG Guidelines, 2015. Collection method: clinical testing. Allele origin: germline.

Unidad de Genómica Garrahan, Hospital de Pediatría Garrahan
Classification: Benign. Last evaluated: 2024-07-15. Review status: criteria provided, single submitter. Criteria: ACMG Guidelines, 2015. Collection method: clinical testing. Allele origin: germline. Affected: no. Observed: 35 variant alleles.
Comment: This variant is classified as Benign based on local population frequency. This variant was detected in 38% of patients studied in a panel designed for Epileptic and Developmental Encephalopathy and Progressive Myoclonus Epilepsy. Number of patients: 35. Only high quality variants are reported.

Fulgent Genetics
Classification: Benign for Macrothrombocytopenia and granulocyte inclusions with or without nephritis or sensorineural hearing loss; Autosomal dominant nonsyndromic hearing loss 17. Last evaluated: 2021-09-25. Review status: criteria provided, single submitter. Criteria: ACMG Guidelines, 2015. Collection method: clinical testing. Allele origin: unknown.

Genome-Nilou Lab
Classification: Benign for Autosomal dominant nonsyndromic hearing loss 17. Last evaluated: 2021-09-05. Review status: criteria provided, single submitter. Criteria: ACMG Guidelines, 2015. Collection method: clinical testing. Allele origin: germline. Affected: no.

Genome-Nilou Lab
Classification: Benign for Macrothrombocytopenia and granulocyte inclusions with or without nephritis or sensorineural hearing loss. Last evaluated: 2021-09-05. Review status: criteria provided, single submitter. Criteria: ACMG Guidelines, 2015. Collection method: clinical testing. Allele origin: germline. Affected: no.

Illumina Laboratory Services, Illumina
Classification: Benign for MYH9-related disorder. Last evaluated: 2018-01-13. Review status: criteria provided, single submitter. Criteria: ICSL Variant Classification Criteria 13 December 2019. Collection method: clinical testing. Allele origin: germline.
Comment: This variant was observed in the ICSL laboratory as part of a predisposition screen in an ostensibly healthy population. It had not been previously curated by ICSL or reported in the Human Gene Mutation Database (HGMD: prior to June 1st, 2018), and was therefore a candidate for classification through an automated scoring system. Utilizing variant allele frequency, disease prevalence and penetrance estimates, and inheritance mode, an automated score was calculated to assess if this variant is too frequent to cause the disease. Based on the score and internal cut-off values, a variant classified as benign is not then subjected to further curation. The score for this variant resulted in a classification of benign for this disease.

Illumina Laboratory Services, Illumina
Classification: Benign for Autosomal dominant nonsyndromic hearing loss 17. Last evaluated: 2018-01-13. Review status: criteria provided, single submitter. Criteria: ICSL Variant Classification Criteria 13 December 2019. Collection method: clinical testing. Allele origin: germline.
Comment: the same text as in the submission from Illumina Laboratory Services, Illumina above.

GeneDx
Classification: Benign. Last evaluated: 2017-05-09. Review status: criteria provided, single submitter. Criteria: GeneDx Variant Classification (06012015). Collection method: clinical testing. Allele origin: germline. Affected: yes.
Comment: This variant is considered likely benign or benign based on one or more of the following criteria: it is a conservative change, it occurs at a poorly conserved position in the protein, it is predicted to be benign by multiple in silico algorithms, and/or has population frequency not consistent with disease.

Eurofins Ntd Llc (ga)
Classification: Benign. Last evaluated: 2015-05-12. Review status: criteria provided, single submitter. Criteria: EGL Classification Definitions 2015. Collection method: clinical testing. Allele origin: germline. Observed: 1 variant allele, 1 heterozygote.

Laboratory for Molecular Medicine, Mass General Brigham Personalized Medicine
Classification: Benign. Last evaluated: 2012-05-07. Review status: criteria provided, single submitter. Criteria: LMM Criteria. Collection method: clinical testing. Allele origin: germline. Observed: 659 variant alleles.

Breakthrough Genomics
Classification: Benign. Review status: criteria provided, single submitter. Criteria: ACMG Guidelines, 2015. Collection method: not provided. Allele origin: germline. Inheritance: Autosomal dominant inheritance. Affected: yes.

PreventionGenetics, part of Exact Sciences
Classification: Benign. Review status: criteria provided, single submitter. Criteria: ACMG Guidelines, 2015. Collection method: clinical testing. Allele origin: germline.

Diagnostic Laboratory, Department of Genetics, University Medical Center Groningen
Classification: Benign. Review status: no assertion criteria provided. Collection method: clinical testing. Allele origin: germline. Affected: yes. Study: VKGL Data-share Consensus. Not counted in ClinVar's aggregate classification.

Joint Genome Diagnostic Labs from Nijmegen and Maastricht, Radboudumc and MUMC+
Classification: Benign. Review status: no assertion criteria provided. Collection method: clinical testing. Allele origin: germline. Affected: yes. Study: VKGL Data-share Consensus. Not counted in ClinVar's aggregate classification.